The following is an entry in ClinVar:

ClinVar aggregate classification (germline): Uncertain significance (1 of 4 stars; one submission).

Conditions:
Ullrich congenital muscular dystrophy 2 (UCMD2). Identifiers: Orphanet 75840, MedGen C4225314, MONDO:0014654, OMIM 616470.
Bethlem myopathy 2 (BTHLM2). Identifiers: Orphanet 536516, Orphanet 610, MedGen C4225313, MONDO:0034022, OMIM 616471.

Submission:

Labcorp Genetics (formerly Invitae), Labcorp
Classification: Uncertain significance for Bethlem myopathy 2; Ullrich congenital muscular dystrophy 2. Last evaluated: 2024-12-26. Review status: criteria provided, single submitter. Criteria: Invitae Variant Classification Sherloc (09022015). Collection method: clinical testing. Allele origin: germline.
Comment: This sequence change replaces valine, which is neutral and non-polar, with leucine, which is neutral and non-polar, at codon 333 of the COL12A1 protein (p.Val333Leu). This variant also falls at the last nucleotide of exon 8, which is part of the consensus splice site for this exon. This variant is not present in population databases (gnomAD no frequency). This variant has not been reported in the literature in individuals affected with COL12A1-related conditions. An algorithm developed to predict the effect of missense changes on protein structure and function (PolyPhen-2) suggests that this variant is likely to be tolerated. Variants that disrupt the consensus splice site are a relatively common cause of aberrant splicing (PMID: 17576681, 9536098). In summary, the available evidence is currently insufficient to determine the role of this variant in disease. Therefore, it has been classified as a Variant of Uncertain Significance.

Literature cited by the submitters: PubMed 17576681; PubMed 9536098.

NM_004370.6(COL12A1):c.997G>C (p.Val333Leu)

Gene: COL12A1 (collagen type XII alpha 1 chain; minus strand). Cytogenetic location: 6q13.
Variant type: single nucleotide variant.
Coding change: c.997G>C on transcript NM_004370.6 (MANE Select); coding-DNA position 997, G replaced by C.
Protein change: p.Val333Leu; replaces valine 333 with leucine.
Molecular consequence: missense variant. On other transcripts: intron variant (2).
Genome position (GRCh38, 1-based): chr6:75,188,362, C>G on the plus strand (G>C on the coding strand, the complement: COL12A1 is on the minus strand). VCF-style: chr6-75188362-C-G. GRCh37 (hg19) VCF-style: chr6-75898078-C-G.
Other names: c.997G>C, p.Val333Leu (NM_001424113.1, NM_001424114.1, NM_001424115.1); c.73+14358G>C (NM_001424116.1, NM_080645.3); short protein forms V333L.
Identifiers: ClinVar variation 3760183 (VCV003760183.2).
Genomic context (GRCh38, chr6:75,188,362, plus strand): 5'-TATAAATACTCAAACAATGGAAAAGACTAACACATGGGGAATGCTACACAGTCTACTCAC[C>G]TTCTTCTCCACTAACCAATTCACCAAGTTGTTCATCAACACCTGAGCACACCTGGGAGAT-3'
Protein context (NP_004361.3, residues 323-343): QLGELVSGEE[Val333Leu]VEPPSNLIAM